The following is an entry in ClinVar:

NM_001134407.3(GRIN2A):c.2728A>G (p.Met910Val)

Gene: GRIN2A (glutamate ionotropic receptor NMDA type subunit 2A; minus strand). Cytogenetic location: 16p13.2.
Variant type: single nucleotide variant.
Coding change: c.2728A>G on transcript NM_001134407.3 (MANE Select); coding-DNA position 2728, A replaced by G.
Protein change: p.Met910Val; replaces methionine 910 with valine.
Molecular consequence: missense variant.
Genome position (GRCh38, 1-based): chr16:9,764,816, T>C on the plus strand (A>G on the coding strand, the complement: GRIN2A is on the minus strand). VCF-style: chr16-9764816-T-C. GRCh37 (hg19) VCF-style: chr16-9858673-T-C.
Other names: p.Met910Val; c.2728A>G, p.Met910Val (NM_000833.5, NM_001134408.2); short protein forms M910V.
Identifiers: ClinVar variation 1360530 (VCV001360530.7), dbSNP rs2141137587, ClinGen allele CA394709486.

ClinVar aggregate classification (germline): Uncertain significance. Review status: criteria provided, multiple submitters, no conflicts (2 of 4 stars). 2 submissions from 2 submitters: Uncertain significance (2). Last evaluated 2025-08-21.

Conditions:
Landau-Kleffner syndrome (FESD). Also called: APHASIA, ACQUIRED, WITH EPILEPSY; EPILEPSY, FOCAL, WITH SPEECH DISORDER AND WITH OR WITHOUT MENTAL RETARDATION. Identifiers: Orphanet 1945, Orphanet 725, Orphanet 98818, MedGen C0282512, MONDO:0009509, OMIM 245570.

Allele frequency attached by ClinVar (database versions not stated): gnomAD exomes below 0.00001.
gnomAD v4.1: 1 of 1,614,196 alleles (0.000062%); highest among the groups gnomAD compares: Non-Finnish European, 0.000085%; no homozygotes.

Submissions (2):

Mayo Clinic Laboratories, Mayo Clinic
Classification: Uncertain significance. Last evaluated: 2025-08-21. Review status: criteria provided, single submitter. Criteria: ACMG Guidelines, 2015. Collection method: clinical testing. Allele origin: germline. Observed: 1 variant allele.
Comment: BP4_moderate, PM2_supporting

Labcorp Genetics (formerly Invitae), Labcorp
Classification: Uncertain significance for Landau-Kleffner syndrome. Last evaluated: 2021-10-23. Review status: criteria provided, single submitter. Criteria: Invitae Variant Classification Sherloc (09022015). Collection method: clinical testing. Allele origin: germline.
Comment: In summary, the available evidence is currently insufficient to determine the role of this variant in disease. Therefore, it has been classified as a Variant of Uncertain Significance. Advanced modeling of protein sequence and biophysical properties (such as structural, functional, and spatial information, amino acid conservation, physicochemical variation, residue mobility, and thermodynamic stability) performed at Invitae indicates that this missense variant is not expected to disrupt GRIN2A protein function. This variant has not been reported in the literature in individuals affected with GRIN2A-related conditions. This variant is not present in population databases (ExAC no frequency). This sequence change replaces methionine with valine at codon 910 of the GRIN2A protein (p.Met910Val). The methionine residue is weakly conserved and there is a small physicochemical difference between methionine and valine.